The following is an entry in ClinVar:

ClinVar aggregate classification (germline): Likely benign. Review status: criteria provided, multiple submitters, no conflicts (2 of 4 stars). 2 submissions from 2 submitters: Likely benign (2). Last evaluated 2026-01-27.

Conditions:
Brugada syndrome. Also called: Sudden unexplained nocturnal death syndrome; Sudden unexpected nocturnal death syndrome; Sudden Unexplained Death Syndrome; Sudden Unexplained Nocturnal Death Syndrome (SUNDS). Identifiers: Orphanet 130, MedGen C1142166, MONDO:0015263.

Allele frequency attached by ClinVar (database versions not stated): gnomAD exomes 0.00003; TOPMed 0.00031; ESP Exome Variant Server 0.00038; gnomAD 0.00038; 1000 Genomes Project 0.00060; 1000 Genomes Project 30x 0.00062.
gnomAD v4.1: 121 of 1,612,720 alleles (0.0075%); highest among the groups gnomAD compares: African/African-American, 0.13%; 1 homozygote.

Submissions (2):

Labcorp Genetics (formerly Invitae), Labcorp
Classification: Likely benign for Brugada syndrome. Last evaluated: 2026-01-27. Review status: criteria provided, single submitter. Criteria: Invitae Variant Classification Sherloc (09022015). Collection method: clinical testing. Allele origin: germline.

GeneDx
Classification: Likely benign. Last evaluated: 2017-10-09. Review status: criteria provided, single submitter. Criteria: GeneDx Variant Classification (06012015). Collection method: clinical testing. Allele origin: germline. Affected: yes.
Comment: This variant is considered likely benign or benign based on one or more of the following criteria: it is a conservative change, it occurs at a poorly conserved position in the protein, it is predicted to be benign by multiple in silico algorithms, and/or has population frequency not consistent with disease.

NM_006514.4(SCN10A):c.1461+19T>A

Gene: SCN10A (sodium voltage-gated channel alpha subunit 10; minus strand). Cytogenetic location: 3p22.2.
Variant type: single nucleotide variant.
Coding change: c.1461+19T>A on transcript NM_006514.4 (MANE Select); 19 bases into the intron after coding-DNA position 1461, T replaced by A.
Molecular consequence: intron variant.
Genome position (GRCh38, 1-based): chr3:38,755,769, A>T on the plus strand (T>A on the coding strand, the complement: SCN10A is on the minus strand). VCF-style: chr3-38755769-A-T. GRCh37 (hg19) VCF-style: chr3-38797260-A-T.
Other names: c.1461+19T>A (NM_001293307.2, NM_001293306.2).
Identifiers: ClinVar variation 512637 (VCV000512637.9), dbSNP rs199927297, ClinGen allele CA2320858.
Genomic context (GRCh38, chr3:38,755,769, plus strand): 5'-ACCTCTTCCCACTCCAACTCATTGTCTACGGCAGCTGCAATGGTGGGTAATCTTTAGAGC[A>T]CAAACCTGAGCCTCTTACCATCCTGCGCTGGTTGTAAGGATCAGAGCGGGGTGATTTGTT-3'